The following is an entry in ClinVar:

NM_006031.6(PCNT):c.7485C>T (p.Ile2495=)

Gene: PCNT (pericentrin; plus strand). Cytogenetic location: 21q22.3.
Variant type: single nucleotide variant.
Coding change: c.7485C>T on transcript NM_006031.6 (MANE Select); coding-DNA position 7485, C replaced by T.
Protein change: p.Ile2495=; no amino-acid change (isoleucine 2495 retained).
Molecular consequence: synonymous variant.
Genome position (GRCh38, 1-based): chr21:46,427,786, C>T. VCF-style: chr21-46427786-C-T. GRCh37 (hg19) VCF-style: chr21-47847700-C-T.
Other names: p.I2495I:ATC>ATT; c.7131C>T, p.Ile2377= (NM_001315529.2).
Identifiers: ClinVar variation 138602 (VCV000138602.17), dbSNP rs61735817, ClinGen allele CA173091.

ClinVar aggregate classification (germline): Benign. Review status: criteria provided, multiple submitters, no conflicts (2 of 4 stars). 5 submissions from 5 submitters: Benign (5). Last evaluated 2026-02-02.

Conditions:
Microcephalic osteodysplastic primordial dwarfism type II (MOPD2). Also called: Microcephalic osteodysplastic primordial dwarfism with tooth abnormalities; OSTEODYSPLASTIC PRIMORDIAL DWARFISM, TYPE II; MOPD II. Identifiers: Orphanet 2637, MedGen C0432246, MONDO:0008872, OMIM 210720.

Allele frequency attached by ClinVar (database versions not stated): TOPMed 0.03593; gnomAD 0.04157 and 0.04297; gnomAD exomes 0.04312; ExAC 0.04360; 1000 Genomes Project 30x 0.01780; 1000 Genomes Project 0.01837; ESP Exome Variant Server 0.04483.

Submissions (5):

Labcorp Genetics (formerly Invitae), Labcorp
Classification: Benign. Last evaluated: 2026-02-02. Review status: criteria provided, single submitter. Criteria: Invitae Variant Classification Sherloc (09022015). Collection method: clinical testing. Allele origin: germline.

Illumina Laboratory Services, Illumina
Classification: Benign for Microcephalic osteodysplastic primordial dwarfism type II. Last evaluated: 2018-01-13. Review status: criteria provided, single submitter. Criteria: ICSL Variant Classification Criteria 13 December 2019. Collection method: clinical testing. Allele origin: germline.
Comment: This variant was observed in the ICSL laboratory as part of a predisposition screen in an ostensibly healthy population. It had not been previously curated by ICSL or reported in the Human Gene Mutation Database (HGMD: prior to June 1st, 2018), and was therefore a candidate for classification through an automated scoring system. Utilizing variant allele frequency, disease prevalence and penetrance estimates, and inheritance mode, an automated score was calculated to assess if this variant is too frequent to cause the disease. Based on the score and internal cut-off values, a variant classified as benign is not then subjected to further curation. The score for this variant resulted in a classification of benign for this disease.

GeneDx
Classification: Benign. Last evaluated: 2014-03-31. Review status: criteria provided, single submitter. Criteria: GeneDx Variant Classification (06012015). Collection method: clinical testing. Allele origin: germline. Affected: yes.
Comment: This variant is considered likely benign or benign based on one or more of the following criteria: it is a conservative change, it occurs at a poorly conserved position in the protein, it is predicted to be benign by multiple in silico algorithms, and/or has population frequency not consistent with disease.

Genetic Services Laboratory, University of Chicago
Classification: Benign. Last evaluated: 2013-02-08. Review status: criteria provided, single submitter. Criteria: ACMG Guidelines, 2007. Collection method: clinical testing. Allele origin: germline. Inheritance: Autosomal recessive inheritance.

Breakthrough Genomics
Classification: Benign. Review status: criteria provided, single submitter. Criteria: ACMG Guidelines, 2015. Collection method: not provided. Allele origin: germline. Inheritance: Autosomal recessive inheritance. Affected: yes.